The following is an entry in ClinVar:

ClinVar aggregate classification (germline): Uncertain significance (1 of 4 stars; one submission).

Submission:

Labcorp Genetics (formerly Invitae), Labcorp
Classification: Uncertain significance. Last evaluated: 2024-11-13. Review status: criteria provided, single submitter. Criteria: Invitae Variant Classification Sherloc (09022015). Collection method: clinical testing. Allele origin: germline.
Comment: This sequence change replaces methionine, which is neutral and non-polar, with isoleucine, which is neutral and non-polar, at codon 566 of the LRP2 protein (p.Met566Ile). This variant is not present in population databases (gnomAD no frequency). This variant has not been reported in the literature in individuals affected with LRP2-related conditions. Invitae Evidence Modeling of protein sequence and biophysical properties (such as structural, functional, and spatial information, amino acid conservation, physicochemical variation, residue mobility, and thermodynamic stability) indicates that this missense variant is not expected to disrupt LRP2 protein function with a negative predictive value of 80%. In summary, the available evidence is currently insufficient to determine the role of this variant in disease. Therefore, it has been classified as a Variant of Uncertain Significance.

NM_004525.3(LRP2):c.1698G>C (p.Met566Ile)

Gene: LRP2 (LDL receptor related protein 2; minus strand). Cytogenetic location: 2q31.1.
Variant type: single nucleotide variant.
Coding change: c.1698G>C on transcript NM_004525.3 (MANE Select); coding-DNA position 1698, G replaced by C.
Protein change: p.Met566Ile; replaces methionine 566 with isoleucine.
Molecular consequence: missense variant.
Genome position (GRCh38, 1-based): chr2:169,277,819, C>G on the plus strand (G>C on the coding strand, the complement: LRP2 is on the minus strand). VCF-style: chr2-169277819-C-G. GRCh37 (hg19) VCF-style: chr2-170134329-C-G.
Other names: short protein forms M566I.
Identifiers: ClinVar variation 3669589 (VCV003669589.2).